The following is an entry in ClinVar:

ClinVar aggregate classification (germline): Conflicting classifications of pathogenicity. Review status: criteria provided, conflicting classifications (1 of 4 stars). 2 submissions from 2 submitters: Uncertain significance (1); Likely benign (1). Last evaluated 2025-07-02.

Conditions:
Inborn genetic diseases. Identifiers: MedGen C0950123, MeSH D030342.

Allele frequency attached by ClinVar (database versions not stated): gnomAD exomes 0.00002 and 0.00003; TOPMed 0.00002; ExAC 0.00007; ESP Exome Variant Server 0.00008.

Submissions (2):

Labcorp Genetics (formerly Invitae), Labcorp
Classification: Uncertain significance. Last evaluated: 2025-07-02. Review status: criteria provided, single submitter. Criteria: Invitae Variant Classification Sherloc (09022015). Collection method: clinical testing. Allele origin: germline.
Comment: This sequence change replaces threonine, which is neutral and polar, with methionine, which is neutral and non-polar, at codon 243 of the BCL11B protein (p.Thr243Met). This variant is present in population databases (rs376769895, gnomAD 0.006%). This missense change has been observed in individual(s) with clinical features of BCL11B-related conditions (PMID: 33057194, 35982159). ClinVar contains an entry for this variant (Variation ID: 1496531). Invitae Evidence Modeling of protein sequence and biophysical properties (such as structural, functional, and spatial information, amino acid conservation, physicochemical variation, residue mobility, and thermodynamic stability) indicates that this missense variant is not expected to disrupt BCL11B protein function with a negative predictive value of 95%. In summary, the available evidence is currently insufficient to determine the role of this variant in disease. Therefore, it has been classified as a Variant of Uncertain Significance.

Ambry Genetics
Classification: Likely benign for Inborn genetic diseases. Last evaluated: 2022-10-27. Review status: criteria provided, single submitter. Criteria: Ambry Variant Classification Scheme 2023. Collection method: clinical testing. Allele origin: germline.

Literature cited by the submitters: PubMed 33057194 (cited by Labcorp Genetics (formerly Invitae), Labcorp); PubMed 35982159 (cited by Labcorp Genetics (formerly Invitae), Labcorp).

NM_138576.4(BCL11B):c.728C>T (p.Thr243Met)

Gene: BCL11B (BCL11 transcription factor B; minus strand). Cytogenetic location: 14q32.2.
Variant type: single nucleotide variant.
Coding change: c.728C>T on transcript NM_138576.4 (MANE Select); coding-DNA position 728, C replaced by T.
Protein change: p.Thr243Met; replaces threonine 243 with methionine.
Molecular consequence: missense variant.
Genome position (GRCh38, 1-based): chr14:99,176,108, G>A on the plus strand (C>T on the coding strand, the complement: BCL11B is on the minus strand). VCF-style: chr14-99176108-G-A. GRCh37 (hg19) VCF-style: chr14-99642445-G-A.
Other names: c.728C>T (NM_138576.2); c.725C>T, p.Thr242Met (NM_001282237.2); c.512C>T, p.Thr171Met (NM_001282238.2); c.515C>T, p.Thr172Met (NM_022898.3); short protein forms T171M, T172M, T243M, T242M.
Identifiers: ClinVar variation 1496531 (VCV001496531.9), dbSNP rs376769895, ClinGen allele CA7339803.